The following is an entry in ClinVar:

NM_001999.4(FBN2):c.8497C>T (p.Arg2833Cys)

Gene: FBN2 (fibrillin 2; minus strand). Cytogenetic location: 5q23.3.
Variant type: single nucleotide variant.
Coding change: c.8497C>T on transcript NM_001999.4 (MANE Select); coding-DNA position 8497, C replaced by T.
Protein change: p.Arg2833Cys; replaces arginine 2833 with cysteine.
Molecular consequence: missense variant.
Genome position (GRCh38, 1-based): chr5:128,259,697, G>A on the plus strand (C>T on the coding strand, the complement: FBN2 is on the minus strand). VCF-style: chr5-128259697-G-A. GRCh37 (hg19) VCF-style: chr5-127595389-G-A.
Other names: short protein forms R2833C.
Identifiers: ClinVar variation 213374 (VCV000213374.13), dbSNP rs863223592, ClinGen allele CA325006.

ClinVar aggregate classification (germline): Uncertain significance. Review status: criteria provided, multiple submitters, no conflicts (2 of 4 stars). 3 submissions from 3 submitters: Uncertain significance (3). Last evaluated 2025-09-11.

Conditions:
Familial thoracic aortic aneurysm and aortic dissection (TAAD). Also called: Thoracic aortic aneurysms and dissections. Identifiers: Orphanet 91387, MedGen C4707243, MONDO:0019625.
Congenital contractural arachnodactyly (CCA). Also called: Beals-Hecht syndrome; BEALS SYNDROME; Arthrogryposis, distal, type 9. Identifiers: Orphanet 115, MedGen C0220668, MONDO:0007363, OMIM 121050.

Allele frequency attached by ClinVar (database versions not stated): gnomAD exomes below 0.00001 and 0.00001; gnomAD 0.00001 and 0.00002.
gnomAD v4.1: 25 of 1,613,844 alleles (0.0015%); highest among the groups gnomAD compares: South Asian, 0.0055%; no homozygotes.

Submissions (3):

Labcorp Genetics (formerly Invitae), Labcorp
Classification: Uncertain significance for Congenital contractural arachnodactyly. Last evaluated: 2025-09-11. Review status: criteria provided, single submitter. Criteria: Invitae Variant Classification Sherloc (09022015). Collection method: clinical testing. Allele origin: germline.
Comment: This sequence change replaces arginine, which is basic and polar, with cysteine, which is neutral and slightly polar, at codon 2833 of the FBN2 protein (p.Arg2833Cys). The frequency data for this variant in the population databases is considered unreliable, as metrics indicate poor data quality at this position in the gnomAD database. This variant has not been reported in the literature in individuals affected with FBN2-related conditions. ClinVar contains an entry for this variant (Variation ID: 213374). Invitae Evidence Modeling of protein sequence and biophysical properties (such as structural, functional, and spatial information, amino acid conservation, physicochemical variation, residue mobility, and thermodynamic stability) has been performed for this missense variant. However, the output from this modeling did not meet the statistical confidence thresholds required to predict the impact of this variant on FBN2 protein function. In summary, the available evidence is currently insufficient to determine the role of this variant in disease. Therefore, it has been classified as a Variant of Uncertain Significance.

Ambry Genetics
Classification: Uncertain significance for Familial thoracic aortic aneurysm and aortic dissection. Last evaluated: 2025-06-27. Review status: criteria provided, single submitter. Criteria: Ambry Variant Classification Scheme 2023. Collection method: clinical testing. Allele origin: germline.
Comment: The p.R2833C variant (also known as c.8497C>T), located in coding exon 65 of the FBN2 gene, results from a C to T substitution at nucleotide position 8497. The arginine at codon 2833 is replaced by cysteine, an amino acid with highly dissimilar properties. This amino acid position is well conserved in available vertebrate species. In addition, this alteration is predicted to be deleterious by in silico analysis. Based on the available evidence, the clinical significance of this variant remains unclear.

GeneDx
Classification: Uncertain significance. Last evaluated: 2017-07-24. Review status: criteria provided, single submitter. Criteria: GeneDx Variant Classification (06012015). Collection method: clinical testing. Allele origin: germline. Affected: yes.
Comment: p.Arg2833Cys (CGT>TGT): c.8497 C>T in exon 65 of the FBN2 gene (NM_001999.3) The R2833C variant has not been published as a mutation, nor has it been reported as a benign polymorphism to our knowledge. The R2833C variant was not observed in approximately 6,500 individuals of European and African American ancestry in the NHLBI Exome Sequencing Project, indicating it is not a common benign variant in these populations. The R2833C variant is a non-conservative amino acid substitution, which is likely to impact secondary protein structure as these residues differ in polarity, charge, size and/or other properties. The R2833C results in gain of Cysteine residue, which may impact disulfide bonding. This substitution occurs at a position that is conserved across species. In silico analysis predicts this variant is probably damaging to the protein structure/function. However, no missense mutations in nearby residues have been reported in association with TAAD/ Marfan syndrome, indicating this region of the protein may tolerate change. Therefore, based on the currently available information, it is unclear whether this variant is a pathogenic mutation or a rare benign variant.This variant was found in TAAD